The following is an entry in ClinVar:

ClinVar aggregate classification (germline): Uncertain significance (1 of 4 stars; one submission).

Conditions:
Ullrich congenital muscular dystrophy 2 (UCMD2). Identifiers: Orphanet 75840, MedGen C4225314, MONDO:0014654, OMIM 616470.
Bethlem myopathy 2 (BTHLM2). Identifiers: Orphanet 536516, Orphanet 610, MedGen C4225313, MONDO:0034022, OMIM 616471.

Submission:

Labcorp Genetics (formerly Invitae), Labcorp
Classification: Uncertain significance for Bethlem myopathy 2; Ullrich congenital muscular dystrophy 2. Last evaluated: 2024-01-19. Review status: criteria provided, single submitter. Criteria: Invitae Variant Classification Sherloc (09022015). Collection method: clinical testing. Allele origin: germline.
Comment: This sequence change replaces histidine, which is basic and polar, with leucine, which is neutral and non-polar, at codon 595 of the COL12A1 protein (p.His595Leu). This variant is not present in population databases (gnomAD no frequency). This variant has not been reported in the literature in individuals affected with COL12A1-related conditions. Advanced modeling of protein sequence and biophysical properties (such as structural, functional, and spatial information, amino acid conservation, physicochemical variation, residue mobility, and thermodynamic stability) performed at Invitae indicates that this missense variant is not expected to disrupt COL12A1 protein function with a negative predictive value of 80%. In summary, the available evidence is currently insufficient to determine the role of this variant in disease. Therefore, it has been classified as a Variant of Uncertain Significance.

NM_004370.6(COL12A1):c.1784A>T (p.His595Leu)

Gene: COL12A1 (collagen type XII alpha 1 chain; minus strand). Cytogenetic location: 6q13.
Variant type: single nucleotide variant.
Coding change: c.1784A>T on transcript NM_004370.6 (MANE Select); coding-DNA position 1784, A replaced by T.
Protein change: p.His595Leu; replaces histidine 595 with leucine.
Molecular consequence: missense variant. On other transcripts: intron variant (2).
Genome position (GRCh38, 1-based): chr6:75,183,157, T>A on the plus strand (A>T on the coding strand, the complement: COL12A1 is on the minus strand). VCF-style: chr6-75183157-T-A. GRCh37 (hg19) VCF-style: chr6-75892873-T-A.
Other names: c.1784A>T, p.His595Leu (NM_001424113.1, NM_001424114.1, NM_001424115.1); c.73+19563A>T (NM_001424116.1, NM_080645.3); short protein forms H595L.
Identifiers: ClinVar variation 2922307 (VCV002922307.3), dbSNP rs1451000533, ClinGen allele CA364768629.